The following is an entry in ClinVar:

ClinVar aggregate classification (germline): Conflicting classifications of pathogenicity. Review status: criteria provided, conflicting classifications (1 of 4 stars). 2 submissions from 2 submitters: Uncertain significance (1); Likely benign (1). Last evaluated 2025-11-13.

Conditions:
Alagille syndrome due to a JAG1 point mutation. Also called: HEPATIC DUCTULAR HYPOPLASIA, SYNDROMATIC; Alagille Syndrome 1; JAG1-Related Alagille Syndrome. Identifiers: Orphanet 261619, Orphanet 52, MedGen C1956125, MONDO:0016862, OMIM 118450.

Allele frequency attached by ClinVar (database versions not stated): gnomAD exomes below 0.00001.

Submissions (2):

Dasa
Classification: Uncertain significance for Alagille syndrome due to a JAG1 point mutation. Last evaluated: 2025-11-13. Review status: criteria provided, single submitter. Criteria: DASA Assertion Criteria. Collection method: clinical testing. Allele origin: germline.
Comment: NM_000214.3(JAG1):c.3481A>G (p.Met1161Val) is a missense variant that results in the substitution of methionine with valine. This variant is rare in population databases. The currently available literature and clinical evidence are not sufficient to establish a definitive association between this variant and the reported condition. Therefore, this variant is classified as a variant of uncertain significance.

Labcorp Genetics (formerly Invitae), Labcorp
Classification: Likely benign for Alagille syndrome due to a JAG1 point mutation. Last evaluated: 2022-11-01. Review status: criteria provided, single submitter. Criteria: Invitae Variant Classification Sherloc (09022015). Collection method: clinical testing. Allele origin: germline.

NM_000214.3(JAG1):c.3481A>G (p.Met1161Val)

Gene: JAG1 (jagged canonical Notch ligand 1; minus strand). Cytogenetic location: 20p12.2.
Variant type: single nucleotide variant.
Coding change: c.3481A>G on transcript NM_000214.3 (MANE Select); coding-DNA position 3481, A replaced by G.
Protein change: p.Met1161Val; replaces methionine 1161 with valine.
Molecular consequence: missense variant.
Genome position (GRCh38, 1-based): chr20:10,639,674, T>C on the plus strand (A>G on the coding strand, the complement: JAG1 is on the minus strand). VCF-style: chr20-10639674-T-C. GRCh37 (hg19) VCF-style: chr20-10620322-T-C.
Other names: short protein forms M1161V.
Identifiers: ClinVar variation 1956047 (VCV001956047.7), dbSNP rs1209895023, ClinGen allele CA408242796.